The following is an entry in ClinVar:

NM_001393769.1(MED12L):c.4706A>G (p.Gln1569Arg)

Genes: MED12L (mediator complex subunit 12L; plus strand), P2RY12 (purinergic receptor P2Y12; minus strand). Cytogenetic location: 3q25.1.
Variant type: single nucleotide variant.
Coding change: c.4706A>G on transcript NM_001393769.1 (MANE Select); coding-DNA position 4706, A replaced by G.
Protein change: p.Gln1569Arg; replaces glutamine 1569 with arginine.
Molecular consequence: missense variant. On other transcripts: intron variant (1).
Genome position (GRCh38, 1-based): chr3:151,383,804, A>G. VCF-style: chr3-151383804-A-G. GRCh37 (hg19) VCF-style: chr3-151101592-A-G.
Other names: c.4601A>G, p.Gln1534Arg (NM_053002.6); c.-180+888T>C (NM_022788.5); short protein forms Q1534R, Q1569R.
Identifiers: ClinVar variation 4055854 (VCV004055854.1).

ClinVar aggregate classification (germline): Uncertain significance (1 of 4 stars; one submission).

gnomAD v4.1: 1 of 1,613,602 alleles (0.000062%); highest among the groups gnomAD compares: South Asian, 0.0011%; no homozygotes.

Submission:

GeneDx
Classification: Uncertain significance. Last evaluated: 2024-12-30. Review status: criteria provided, single submitter. Criteria: GeneDx Variant Classification Process June 2021. Collection method: clinical testing. Allele origin: germline. Affected: yes.
Comment: Not observed at significant frequency in large population cohorts (gnomAD); In silico analysis supports that this missense variant has a deleterious effect on protein structure/function; Has not been previously published as pathogenic or benign to our knowledge.